The following is an entry in ClinVar:

ClinVar aggregate classification (germline): Uncertain significance (1 of 4 stars; one submission).

Conditions:
3-methylglutaconic aciduria, type VIIB (MGCA7B). Also called: 3-methylglutaconic aciduria, type VII, with cataracts, neurologic involvement and neutropenia; CLPB Deficiency; 3-methylglutaconic aciduria with cataracts, neurologic involvement and neutropenia. Identifiers: Orphanet 445038, MedGen C5676893, MONDO:0014561, OMIM 616271.

gnomAD v4.1: 1 of 1,614,058 alleles (0.000062%); no homozygotes.

Submission:

Labcorp Genetics (formerly Invitae), Labcorp
Classification: Uncertain significance for 3-methylglutaconic aciduria, type VIIB. Last evaluated: 2024-08-12. Review status: criteria provided, single submitter. Criteria: Invitae Variant Classification Sherloc (09022015). Collection method: clinical testing. Allele origin: germline.
Comment: This sequence change replaces lysine, which is basic and polar, with arginine, which is basic and polar, at codon 204 of the CLPB protein (p.Lys204Arg). This variant is not present in population databases (gnomAD no frequency). This variant has not been reported in the literature in individuals affected with CLPB-related conditions. An algorithm developed to predict the effect of missense changes on protein structure and function (PolyPhen-2) suggests that this variant is likely to be tolerated. In summary, the available evidence is currently insufficient to determine the role of this variant in disease. Therefore, it has been classified as a Variant of Uncertain Significance.

NM_001258392.3(CLPB):c.611A>G (p.Lys204Arg)

Gene: CLPB (ClpB family mitochondrial disaggregase; minus strand). Cytogenetic location: 11q13.4.
Variant type: single nucleotide variant.
Coding change: c.611A>G on transcript NM_001258392.3 (MANE Select); coding-DNA position 611, A replaced by G.
Protein change: p.Lys204Arg; replaces lysine 204 with arginine.
Molecular consequence: missense variant.
Genome position (GRCh38, 1-based): chr11:72,380,316, T>C on the plus strand (A>G on the coding strand, the complement: CLPB is on the minus strand). VCF-style: chr11-72380316-T-C. GRCh37 (hg19) VCF-style: chr11-72091360-T-C.
Other names: c.524A>G, p.Lys175Arg (NM_001258393.3); c.476A>G, p.Lys159Arg (NM_001258394.3); c.611A>G, p.Lys204Arg (NM_030813.6); short protein forms K159R, K175R, K204R.
Identifiers: ClinVar variation 3705701 (VCV003705701.2).